The following is an entry in ClinVar:

NC_012920.1(MT-ND5):m.13606A>G

Gene: MT-ND5 (mitochondrially encoded NADH dehydrogenase 5; plus strand).
Variant type: single nucleotide variant.
Genome position: chrM-13606-A-G.
Identifiers: ClinVar variation 693578 (VCV000693578.1), dbSNP rs1603224258, ClinGen allele CA414818733.

ClinVar aggregate classification (germline): Likely benign (1 of 4 stars; one submission).

Conditions:
Leigh syndrome (NULS). Also called: Leigh's necrotizing encephalopathy; Leigh's disease; Leigh Syndrome (mtDNA deletion); Leigh Disease; Subacute necrotizing encephalopathy; Necrotizing encephalopathy infantile subacute of Leigh. Identifiers: Orphanet 506, MedGen C2931891, MONDO:0009723, OMIM 256000.

Submission:

Wong Mito Lab, Molecular and Human Genetics, Baylor College of Medicine
Classification: Likely benign for Leigh syndrome. Last evaluated: 2019-10-17. Review status: criteria provided, single submitter. Criteria: Modified ACMG Guidelines (Unpublished). Collection method: clinical testing. Allele origin: germline.
Comment: The NC_012920.1:m.13606A>G (YP_003024036.1:p.Thr424Ala) variant in MTND5 gene is interpretated to be a Likely Benign variant based on the modified ACMG guidelines (unpublished). This variant meets the following evidence codes: BS1, BP4